The following is an entry in ClinVar:

NM_022124.6(CDH23):c.8000A>G (p.Asp2667Gly)

Genes: CDH23 (cadherin related 23; plus strand), LOC111982869 (Sharpr-MPRA regulatory region 2121; plus strand). Cytogenetic location: 10q22.1.
Variant type: single nucleotide variant.
Coding change: c.8000A>G on transcript NM_022124.6 (MANE Select); coding-DNA position 8000, A replaced by G.
Protein change: p.Asp2667Gly; replaces aspartic acid 2667 with glycine.
Molecular consequence: missense variant.
Genome position (GRCh38, 1-based): chr10:71,805,933, A>G. VCF-style: chr10-71805933-A-G. GRCh37 (hg19) VCF-style: chr10-73565690-A-G.
Other names: c.1280A>G, p.Asp427Gly (NM_001171933.1, NM_001171934.1); short protein forms D2667G, D427G.
Identifiers: ClinVar variation 1907412 (VCV001907412.2), dbSNP rs751421264, ClinGen allele CA5546502.

ClinVar aggregate classification (germline): Uncertain significance (1 of 4 stars; one submission).

Allele frequency attached by ClinVar (database versions not stated): ExAC 0.00001; gnomAD exomes 0.00001.
gnomAD v4.1: 13 of 1,603,246 alleles (0.00081%); highest among the groups gnomAD compares: Admixed American, 0.0017%; no homozygotes.

Submission:

Labcorp Genetics (formerly Invitae), Labcorp
Classification: Uncertain significance. Last evaluated: 2022-06-14. Review status: criteria provided, single submitter. Criteria: Invitae Variant Classification Sherloc (09022015). Collection method: clinical testing. Allele origin: germline.
Comment: This sequence change replaces aspartic acid, which is acidic and polar, with glycine, which is neutral and non-polar, at codon 2667 of the CDH23 protein (p.Asp2667Gly). This variant is present in population databases (rs751421264, gnomAD 0.002%). This variant has not been reported in the literature in individuals affected with CDH23-related conditions. Algorithms developed to predict the effect of missense changes on protein structure and function are either unavailable or do not agree on the potential impact of this missense change (SIFT: "Deleterious"; PolyPhen-2: "Not Available"; Align-GVGD: "Class C0"). In summary, the available evidence is currently insufficient to determine the role of this variant in disease. Therefore, it has been classified as a Variant of Uncertain Significance.